The following is an entry in ClinVar:

NM_001197104.2(KMT2A):c.11805dup (p.Lys3936Ter)

Genes: KMT2A (lysine methyltransferase 2A; plus strand), TTC36-AS1 (TTC36 and KMT2A antisense RNA 1; minus strand). Cytogenetic location: 11q23.3.
Variant type: Duplication.
Coding change: c.11805dup on transcript NM_001197104.2 (MANE Select); coding-DNA position 11805, one base duplicated (T; older notation c.11805dupT).
Protein change: p.Lys3936Ter; replaces lysine 3936 with a stop codon.
Molecular consequence: nonsense.
Genome position (GRCh38, 1-based): chr11:118,522,058, T duplicated. VCF-style (leftmost placement, unchanged base first): chr11-118522057-G-GT. GRCh37 (hg19) VCF-style: chr11-118392772-G-GT.
Other names: c.11895dup, p.Lys3966Ter (NM_001412597.1); c.11796dup, p.Lys3933Ter (NM_005933.4); short protein forms K3933*, K3936*, K3966*.
Identifiers: ClinVar variation 4531778 (VCV004531778.1).

ClinVar aggregate classification (germline): Uncertain significance (1 of 4 stars; one submission).

Conditions:
Wiedemann-Steiner syndrome (WDSTS). Also called: Growth deficiency and mental retardation with facial dysmorphism. Identifiers: Orphanet 319182, MedGen C1854630, MONDO:0011518, OMIM 605130.

Submission:

Victorian Clinical Genetics Services, Murdoch Childrens Research Institute
Classification: Uncertain significance for Wiedemann-Steiner syndrome. Last evaluated: 2025-09-29. Review status: criteria provided, single submitter. Criteria: ACMG Guidelines, 2015. Collection method: clinical testing. Allele origin: germline. Affected: yes.
Comment: This variant is classified as VUS-3A. Evidence in support of pathogenic classification: Variant is predicted to result in a truncated protein (premature termination codon is NOT located at least 54 nucleotides upstream of the final exon-exon junction) with less than 1/3 of the protein sequence affected; Variant is absent from gnomAD (v2, v3 and v4); Additional information: This variant is heterozygous; This gene is associated with autosomal dominant disease; This variant has no previous evidence of pathogenicity; No published evidence of segregation with disease has been identified for this variant; No published functional evidence has been identified for this variant; Downstream protein truncating variants comparable to the one identified in this case have inconclusive previous evidence for pathogenicity. The p.(Lys3954Serfs*15) variant has been classified as a VUS by a clinical laboratory in ClinVar, and reported in the literature in an individual with development delay, hypotonia, and dysmorphic features (PMID: 38843839). In addition, p.(Arg3939*) has been reported as a VUS and likely pathogenic by clinical laboratories in ClinVar; Variant truncates the annotated SET domain (DECIPHER); Loss of function is a known mechanism of disease in this gene and is associated with Wiedemann-Steiner syndrome (MIM#605130).

Literature cited by the submitters: PubMed 38843839.